The following is an entry in ClinVar:

NM_005422.4(TECTA):c.2504T>C (p.Ile835Thr)

Genes: TBCEL-TECTA (TBCEL-TECTA readthrough; plus strand), TECTA (tectorin alpha; plus strand), LOC126861365 (P300/CBP strongly-dependent group 1 enhancer GRCh37_chr11:121000154-121001353; plus strand). Cytogenetic location: 11q23.3.
Variant type: single nucleotide variant.
Coding change: c.2504T>C on transcript NM_005422.4 (MANE Select); coding-DNA position 2504, T replaced by C.
Protein change: p.Ile835Thr; replaces isoleucine 835 with threonine.
Molecular consequence: missense variant.
Genome position (GRCh38, 1-based): chr11:121,129,774, T>C. VCF-style: chr11-121129774-T-C. GRCh37 (hg19) VCF-style: chr11-121000483-T-C.
Other names: c.3461T>C, p.Ile1154Thr (NM_001378761.1); short protein forms I1154T, I835T.
Identifiers: ClinVar variation 1309948 (VCV001309948.6), dbSNP rs2135084344, ClinGen allele CA383016114.

ClinVar aggregate classification (germline): Uncertain significance. Review status: criteria provided, multiple submitters, no conflicts (2 of 4 stars). 3 submissions from 3 submitters: Uncertain significance (3). Last evaluated 2025-04-17.

Conditions:
Inborn genetic diseases. Identifiers: MedGen C0950123, MeSH D030342.

Allele frequency attached by ClinVar (database versions not stated): gnomAD exomes below 0.00001.
gnomAD v4.1: 1 of 1,614,260 alleles (0.000062%); highest among the groups gnomAD compares: Middle Eastern, 0.016%; no homozygotes.

Submissions (3):

Labcorp Genetics (formerly Invitae), Labcorp
Classification: Uncertain significance. Last evaluated: 2025-04-17. Review status: criteria provided, single submitter. Criteria: Invitae Variant Classification Sherloc (09022015). Collection method: clinical testing. Allele origin: germline.
Comment: This sequence change replaces isoleucine, which is neutral and non-polar, with threonine, which is neutral and polar, at codon 835 of the TECTA protein (p.Ile835Thr). This variant is not present in population databases (gnomAD no frequency). This variant has not been reported in the literature in individuals affected with TECTA-related conditions. ClinVar contains an entry for this variant (Variation ID: 1309948). Invitae Evidence Modeling of protein sequence and biophysical properties (such as structural, functional, and spatial information, amino acid conservation, physicochemical variation, residue mobility, and thermodynamic stability) indicates that this missense variant is not expected to disrupt TECTA protein function with a negative predictive value of 95%. In summary, the available evidence is currently insufficient to determine the role of this variant in disease. Therefore, it has been classified as a Variant of Uncertain Significance.

Ambry Genetics
Classification: Uncertain significance for Inborn genetic diseases. Last evaluated: 2023-04-27. Review status: criteria provided, single submitter. Criteria: Ambry Variant Classification Scheme 2023. Collection method: clinical testing. Allele origin: germline.

GeneDx
Classification: Uncertain significance. Last evaluated: 2019-11-22. Review status: criteria provided, single submitter. Criteria: GeneDx Variant Classification Process June 2021. Collection method: clinical testing. Allele origin: germline. Affected: yes.
Comment: Not observed in large population cohorts (Lek et al., 2016); In silico analysis, which includes protein predictors and evolutionary conservation, supports a deleterious effect; Has not been previously published as pathogenic or benign to our knowledge